The following is an entry in ClinVar:

ClinVar aggregate classification (germline): Benign. Review status: criteria provided, multiple submitters, no conflicts (2 of 4 stars). 11 submissions from 11 submitters: Benign (8). 3 of the submissions do not count toward it. Last evaluated 2026-02-04.

Conditions:
Bardet-Biedl syndrome (BBS). Identifiers: Orphanet 110, MedGen C0752166, MONDO:0015229.
Bardet-Biedl syndrome 12 (BBS12). Identifiers: Orphanet 110, MedGen C1859570, MONDO:0014440, OMIM 615989.
Bardet-Biedl syndrome 1 (BBS1). Identifiers: MedGen C2936862, MONDO:0008854, OMIM 209900. Disease mechanism: loss of function.

Allele frequency attached by ClinVar (database versions not stated): gnomAD exomes 0.01742 and 0.01803; ExAC 0.01853; gnomAD 0.03229; 1000 Genomes Project 0.03454; TOPMed 0.03506; 1000 Genomes Project 30x 0.03654; ESP Exome Variant Server 0.03998.

Submissions (11):

Labcorp Genetics (formerly Invitae), Labcorp
Classification: Benign for Bardet-Biedl syndrome. Last evaluated: 2026-02-04. Review status: criteria provided, single submitter. Criteria: Invitae Variant Classification Sherloc (09022015). Collection method: clinical testing. Allele origin: germline.

Blueprint Genetics
Classification: Benign. Last evaluated: 2024-11-25. Review status: criteria provided, single submitter. Criteria: ACMG Guidelines, 2015. Collection method: clinical testing. Allele origin: germline.

Mayo Clinic Laboratories, Mayo Clinic
Classification: Benign. Last evaluated: 2023-01-09. Review status: criteria provided, single submitter. Criteria: ACMG Guidelines, 2015. Collection method: clinical testing. Allele origin: germline. Observed: 9 variant alleles.

GeneDx
Classification: Benign. Last evaluated: 2021-05-04. Review status: criteria provided, single submitter. Criteria: GeneDx Variant Classification Process June 2021. Collection method: clinical testing. Allele origin: germline. Affected: yes.

Illumina Laboratory Services, Illumina
Classification: Benign for Bardet-Biedl syndrome 12. Last evaluated: 2018-01-13. Review status: criteria provided, single submitter. Criteria: ICSL Variant Classification Criteria 13 December 2019. Collection method: clinical testing. Allele origin: germline.
Comment: This variant was observed in the ICSL laboratory as part of a predisposition screen in an ostensibly healthy population. It had not been previously curated by ICSL or reported in the Human Gene Mutation Database (HGMD: prior to June 1st, 2018), and was therefore a candidate for classification through an automated scoring system. Utilizing variant allele frequency, disease prevalence and penetrance estimates, and inheritance mode, an automated score was calculated to assess if this variant is too frequent to cause the disease. Based on the score and internal cut-off values, a variant classified as benign is not then subjected to further curation. The score for this variant resulted in a classification of benign for this disease.

Clinical Genetics DNA and cytogenetics Diagnostics Lab, Erasmus MC, Erasmus Medical Center
Classification: Benign for Bardet-Biedl syndrome 1. Last evaluated: 2015-09-21. Review status: criteria provided, single submitter. Criteria: ACGS Guidelines, 2013. Collection method: clinical testing. Allele origin: germline. Affected: yes. Study: VKGL Data-share Consensus.

Breakthrough Genomics
Classification: Benign. Review status: criteria provided, single submitter. Criteria: ACMG Guidelines, 2015. Collection method: not provided. Allele origin: germline. Inheritance: Autosomal recessive inheritance. Affected: yes.

PreventionGenetics, part of Exact Sciences
Classification: Benign. Review status: criteria provided, single submitter. Criteria: ACMG Guidelines, 2015. Collection method: clinical testing. Allele origin: germline.

Natera, Inc.
Classification: Benign for Bardet-Biedl syndrome type 12. Last evaluated: 2020-09-16. Review status: no assertion criteria provided. Collection method: clinical testing. Allele origin: germline. Not counted in ClinVar's aggregate classification.

Genome Diagnostics Laboratory, Amsterdam University Medical Center
Classification: Benign for Bardet-Biedl syndrome 1. Last evaluated: 2017-04-19. Review status: no assertion criteria provided. Criteria: ACGS Guidelines, 2013. Collection method: clinical testing. Allele origin: germline. Affected: yes. Study: VKGL Data-share Consensus. Not counted in ClinVar's aggregate classification.

Joint Genome Diagnostic Labs from Nijmegen and Maastricht, Radboudumc and MUMC+
Classification: Benign. Review status: no assertion criteria provided. Collection method: clinical testing. Allele origin: germline. Affected: yes. Study: VKGL Data-share Consensus. Not counted in ClinVar's aggregate classification.

NM_152618.3(BBS12):c.1209G>A (p.Val403=)

Gene: BBS12 (Bardet-Biedl syndrome 12; plus strand). Cytogenetic location: 4q27.
Variant type: single nucleotide variant.
Coding change: c.1209G>A on transcript NM_152618.3 (MANE Select); coding-DNA position 1209, G replaced by A.
Protein change: p.Val403=; no amino-acid change (valine 403 retained).
Molecular consequence: synonymous variant.
Genome position (GRCh38, 1-based): chr4:122,743,101, G>A. VCF-style: chr4-122743101-G-A. GRCh37 (hg19) VCF-style: chr4-123664256-G-A.
Other names: p.Val403=; c.1209G>A, p.Val403= (NM_001178007.2).
Identifiers: ClinVar variation 262670 (VCV000262670.26), dbSNP rs17006092, ClinGen allele CA3069400.